The following is an entry in ClinVar:

NM_001042492.3(NF1):c.6157A>G (p.Arg2053Gly)

Gene: NF1 (neurofibromin 1; plus strand). Cytogenetic location: 17q11.2.
Variant type: single nucleotide variant.
Coding change: c.6157A>G on transcript NM_001042492.3 (MANE Select); coding-DNA position 6157, A replaced by G.
Protein change: p.Arg2053Gly; replaces arginine 2053 with glycine.
Molecular consequence: missense variant.
Genome position (GRCh38, 1-based): chr17:31,336,644, A>G. VCF-style: chr17-31336644-A-G. GRCh37 (hg19) VCF-style: chr17-29663662-A-G.
Other names: c.6094A>G, p.Arg2032Gly (NM_000267.4); short protein forms R2032G, R2053G.
Identifiers: ClinVar variation 2078383 (VCV002078383.4), dbSNP rs2151554298, ClinGen allele CA399011707.

ClinVar aggregate classification (germline): Uncertain significance (1 of 4 stars; one submission).

Conditions:
Neurofibromatosis, type 1 (NF1). Also called: Neurofibromatosis, type I; VON RECKLINGHAUSEN DISEASE; NEUROFIBROMATOSIS, TYPE I, SOMATIC; Peripheral type neurofibromatosis. Identifiers: Orphanet 636, MedGen C0027831, MONDO:0018975, OMIM 162200. Disease mechanism: loss of function.

Allele frequency attached by ClinVar (database versions not stated): gnomAD exomes below 0.00001.
gnomAD v4.1: 1 of 1,612,012 alleles (0.000062%); highest among the groups gnomAD compares: Non-Finnish European, 0.000085%; no homozygotes.

Submission:

Labcorp Genetics (formerly Invitae), Labcorp
Classification: Uncertain significance for Neurofibromatosis, type 1. Last evaluated: 2022-06-16. Review status: criteria provided, single submitter. Criteria: Invitae Variant Classification Sherloc (09022015). Collection method: clinical testing. Allele origin: germline.
Comment: In summary, the available evidence is currently insufficient to determine the role of this variant in disease. Therefore, it has been classified as a Variant of Uncertain Significance. Advanced modeling of protein sequence and biophysical properties (such as structural, functional, and spatial information, amino acid conservation, physicochemical variation, residue mobility, and thermodynamic stability) performed at Invitae indicates that this missense variant is expected to disrupt NF1 protein function. This variant has not been reported in the literature in individuals affected with NF1-related conditions. This variant is not present in population databases (gnomAD no frequency). This sequence change replaces arginine, which is basic and polar, with glycine, which is neutral and non-polar, at codon 2032 of the NF1 protein (p.Arg2032Gly).